The following is an entry in ClinVar:

ClinVar aggregate classification (germline): Uncertain significance (1 of 4 stars; one submission).

gnomAD v4.1: 1 of 1,601,116 alleles (0.000062%); no homozygotes.

Submission:

Labcorp Genetics (formerly Invitae), Labcorp
Classification: Uncertain significance. Last evaluated: 2021-12-20. Review status: criteria provided, single submitter. Criteria: Invitae Variant Classification Sherloc (09022015). Collection method: clinical testing. Allele origin: germline.
Comment: This sequence change creates a premature translational stop signal (p.Arg304*) in the NSMF gene. It is expected to result in an absent or disrupted protein product. However, the current clinical and genetic evidence is not sufficient to establish whether loss-of-function variants in NSMF cause disease. This variant is not present in population databases (gnomAD no frequency). This variant has not been reported in the literature in individuals affected with NSMF-related conditions. In summary, the available evidence is currently insufficient to determine the role of this variant in disease. Therefore, it has been classified as a Variant of Uncertain Significance.

NM_001130969.3(NSMF):c.916C>T (p.Arg306Ter)

Gene: NSMF (NMDA receptor synaptonuclear signaling and neuronal migration factor; minus strand). Cytogenetic location: 9q34.3.
Variant type: single nucleotide variant.
Coding change: c.916C>T on transcript NM_001130969.3 (MANE Select); coding-DNA position 916, C replaced by T.
Protein change: p.Arg306Ter; replaces arginine 306 with a stop codon.
Molecular consequence: nonsense. On other transcripts: intron variant (1).
Genome position (GRCh38, 1-based): chr9:137,453,737, G>A on the plus strand (C>T on the coding strand, the complement: NSMF is on the minus strand). VCF-style: chr9-137453737-G-A. GRCh37 (hg19) VCF-style: chr9-140348189-G-A.
Other names: c.847C>T, p.Arg283Ter (NM_001130970.2); c.841C>T, p.Arg281Ter (NM_001130971.2); c.910C>T, p.Arg304Ter (NM_015537.5, NM_182780.1); c.833-557C>T (NM_001178064.2); short protein forms R306*, R281*, R283*, R304*.
Identifiers: ClinVar variation 2050691 (VCV002050691.4), dbSNP rs1349155235, ClinGen allele CA375760418.